The following is an entry in ClinVar:

ClinVar aggregate classification (germline): Conflicting classifications of pathogenicity. Review status: criteria provided, conflicting classifications (1 of 4 stars). 9 submissions from 9 submitters: Uncertain significance (4); Likely benign (2). 3 of the submissions do not count toward it. Last evaluated 2026-09-24.

Conditions:
GJB1-related disorder. Also called: GJB1-related disorders; GJB1-related condition.
Inborn genetic diseases. Identifiers: MedGen C0950123, MeSH D030342.
Charcot-Marie-Tooth disease. Also called: Charcot-Marie-Tooth Neuropathy; Charcot-Marie-Tooth Hereditary Neuropathy. Identifiers: Orphanet 166, MedGen C0007959, MONDO:0015626.
Charcot-Marie-Tooth Neuropathy X. Identifiers: MedGen CN118851.

Allele frequency attached by ClinVar (database versions not stated): gnomAD 0.00003; TOPMed 0.00003.
gnomAD v4.1: 15 of 1,208,102 alleles (0.0012%); highest among the groups gnomAD compares: Non-Finnish European, 0.0016%; no homozygotes.

Submissions (9):

PreventionGenetics, part of Exact Sciences
Classification: Uncertain significance for GJB1-related condition. Last evaluated: 2026-09-24. Review status: criteria provided, single submitter. Criteria: ACMG Guidelines, 2015. Collection method: clinical testing. Allele origin: germline.
Comment: The GJB1 c.689G>T variant is predicted to result in the amino acid substitution p.Arg230Leu. This variant was reported in several individuals with Charcot-Marie-Tooth disease including one family consisting of three individuals with apparent autosomal dominant inheritance (Bone et al. 1997. PubMed ID: 9361298; Benedetti et al. 2010. PubMed ID: 21149811). This variant is reported in 0.0037% of alleles in individuals of European (Non-Finnish) descent in gnomAD, including two hemizygotes. At this time, the clinical significance of this variant is uncertain due to the absence of conclusive functional and genetic evidence.

CeGaT Center for Human Genetics Tuebingen
Classification: Likely benign. Last evaluated: 2026-08-01. Review status: criteria provided, single submitter. Criteria: CeGaT Center For Human Genetics Tuebingen Variant Classification Criteria Version 2. Collection method: clinical testing. Allele origin: germline. Affected: yes. Observed: 2 variant alleles.
Comment: GJB1: BS2

Labcorp Genetics (formerly Invitae), Labcorp
Classification: Likely benign for Charcot-Marie-Tooth Neuropathy X. Last evaluated: 2024-05-29. Review status: criteria provided, single submitter. Criteria: Invitae Variant Classification Sherloc (09022015). Collection method: clinical testing. Allele origin: germline.

Athena Diagnostics
Classification: Uncertain significance. Last evaluated: 2024-02-27. Review status: criteria provided, single submitter. Criteria: Athena Diagnostics Criteria. Collection method: clinical testing. Allele origin: unknown.
Comment: Available data are insufficient to determine the clinical significance of the variant at this time. The frequency of this variant in the general population is uninformative in assessment of its pathogenicity. This variant has been identified in at least one individual with clinical features associated with this gene. Computational tools disagree on the variant's effect on normal protein function.

Mendelics
Classification: Uncertain significance. Last evaluated: 2022-05-04. Review status: criteria provided, single submitter. Criteria: Mendelics Assertion Criteria 2019. Collection method: clinical testing. Allele origin: germline.

Ambry Genetics
Classification: Uncertain significance for Inborn genetic diseases. Last evaluated: 2021-02-25. Review status: criteria provided, single submitter. Criteria: Ambry Variant Classification Scheme 2023. Collection method: clinical testing. Allele origin: germline.
Comment: The p.R230L variant (also known as c.689G>T), located in coding exon 1 of the GJB1 gene, results from a G to T substitution at nucleotide position 689. The arginine at codon 230 is replaced by leucine, an amino acid with dissimilar properties. This amino acid position is not well conserved in available vertebrate species. In addition, this alteration is predicted to be deleterious by in silico analysis. Based on data from gnomAD, the c.689G>T allele has an overall frequency of 0.002% (3/179,279) total alleles studied, with 2 hemizygotes observed. The highest observed frequency was 0.004% (3/80,183) of European (non-Finnish) alleles. (Benedetti S et al. Arch Neurol, 2010 Dec;67:1498-505). Since supporting evidence is limited at this time, the clinical significance of this alteration remains unclear.

Clinical Genetics DNA and cytogenetics Diagnostics Lab, Erasmus MC, Erasmus Medical Center
Classification: Uncertain significance. Review status: no assertion criteria provided. Collection method: clinical testing. Allele origin: germline. Affected: yes. Study: VKGL Data-share Consensus. Not counted in ClinVar's aggregate classification.

Clinical Genetics, Academic Medical Center
Classification: Uncertain significance. Review status: no assertion criteria provided. Collection method: clinical testing. Allele origin: germline. Affected: yes. Study: VKGL Data-share Consensus. Not counted in ClinVar's aggregate classification.

Inherited Neuropathy Consortium
Classification: Uncertain significance for Charcot-Marie-Tooth disease. Review status: no assertion criteria provided. Collection method: literature only. Allele origin: germline. Affected: yes. Not counted in ClinVar's aggregate classification.

Literature cited by the submitters: PubMed 21149811 (cited by Athena Diagnostics and Ambry Genetics); PubMed 12460545 (cited by Athena Diagnostics); PubMed 9361298 (cited by Inherited Neuropathy Consortium).

NM_000166.6(GJB1):c.689G>T (p.Arg230Leu)

Gene: GJB1 (gap junction protein beta 1; plus strand). Cytogenetic location: Xq13.1.
Variant type: single nucleotide variant.
Coding change: c.689G>T on transcript NM_000166.6 (MANE Select); coding-DNA position 689, G replaced by T.
Protein change: p.Arg230Leu; replaces arginine 230 with leucine.
Molecular consequence: missense variant.
Genome position (GRCh38, 1-based): chrX:71,224,396, G>T. VCF-style: chrX-71224396-G-T. GRCh37 (hg19) VCF-style: chrX-70444246-G-T.
Other names: c.689G>T, p.Arg230Leu (NM_001097642.3); short protein forms R230L.
Identifiers: ClinVar variation 637578 (VCV000637578.55), dbSNP rs780335726, ClinGen allele CA330997840.